The following is an entry in ClinVar:

NM_002653.5(PITX1):c.440G>A (p.Arg147His)

Gene: PITX1 (paired like homeodomain 1; minus strand). Cytogenetic location: 5q31.1.
Variant type: single nucleotide variant.
Coding change: c.440G>A on transcript NM_002653.5 (MANE Select); coding-DNA position 440, G replaced by A.
Protein change: p.Arg147His; replaces arginine 147 with histidine.
Molecular consequence: missense variant.
Genome position (GRCh38, 1-based): chr5:135,029,284, C>T on the plus strand (G>A on the coding strand, the complement: PITX1 is on the minus strand). VCF-style: chr5-135029284-C-T. GRCh37 (hg19) VCF-style: chr5-134364974-C-T.
Other names: short protein forms R147H.
Identifiers: ClinVar variation 4886719 (VCV004886719.2).

ClinVar aggregate classification (germline): Uncertain significance (1 of 4 stars; one submission).

gnomAD v4.1: 3 of 1,606,308 alleles (0.00019%); highest among the groups gnomAD compares: Admixed American, 0.0017%; no homozygotes.

Submission:

Dasa
Classification: Uncertain significance. Last evaluated: 2025-10-24. Review status: criteria provided, single submitter. Criteria: DASA Assertion Criteria. Collection method: clinical testing. Allele origin: germline.
Comment: NM_002653.5(PITX1):c.440G>A (p.Arg147His) is a missense variant that results in the substitution of arginine with histidine. This variant is rare in population databases. Computational prediction algorithms are consistent with a deleterious effect. The currently available literature and clinical evidence are not sufficient to establish a definitive association between this variant and the reported condition. Therefore, this variant is classified as a variant of uncertain significance.